The following is an entry in ClinVar:

NM_000179.3(MSH6):c.2327_2336del (p.Gln776fs)

Gene: MSH6 (mutS homolog 6; plus strand). Cytogenetic location: 2p16.3.
Variant type: Deletion.
Coding change: c.2327_2336del on transcript NM_000179.3 (MANE Select); coding-DNA positions 2327 to 2336, 10 bases deleted (AATGGCTTTG; older notation c.2327_2336delAATGGCTTTG).
Protein change: p.Gln776fs; shifts the reading frame from glutamine 776.
Molecular consequence: frameshift variant.
Genome position (GRCh38, 1-based): chr2:47,800,310-47,800,319, AATGGCTTTG deleted. VCF-style (leftmost placement, unchanged base first): chr2-47800309-CAATGGCTTTG-C. GRCh37 (hg19) VCF-style: chr2-48027448-CAATGGCTTTG-C.
Other names: c.1937_1946del, p.Gln646fs (NM_001281492.2); c.1421_1430del, p.Gln474fs (NM_001281493.2, NM_001281494.2); c.2423_2432delAATGGCTTTG, p.Gln808Leufs (NM_001406795.1, NM_001406802.1); c.2327_2336delAATGGCTTTG, p.Gln776Leufs (NM_001406796.1, NM_001406798.1, NM_001406800.1 and 2 more transcripts); c.2030_2039delAATGGCTTTG, p.Gln677Leufs (NM_001406797.1, NM_001406801.1, NM_001406805.1 and 10 more transcripts); c.1802_1811delAATGGCTTTG, p.Gln601Leufs (NM_001406799.1, NM_001406806.1, NM_001406807.1); c.2249_2258delAATGGCTTTG, p.Gln750Leufs (NM_001406804.1); c.1421_1430delAATGGCTTTG, p.Gln474Leufs (NM_001406811.1, NM_001406812.1, NM_001406814.1 and 4 more transcripts); and 3 more; short protein forms Q646fs, Q474fs, Q776fs.
Identifiers: ClinVar variation 1789661 (VCV001789661.2), dbSNP rs2530665173, ClinGen allele CA2580067830.
Genomic context (GRCh38, chr2:47,800,309, plus strand): 5'-GGAACCCTACTAGAGAGGGTTGATACTTGCCATACTCCTTTTGGTAAGCGGCTCCTAAAG[CAATGGCTTTG>C]TGCCCCACTCTGTAACCATTATGCTATTAATGATCGTCTAGATGCCATAGAAGACCTCAT-3'

ClinVar aggregate classification (germline): Pathogenic (1 of 4 stars; one submission).

Conditions:
Hereditary cancer-predisposing syndrome. Also called: Hereditary Cancer Syndrome; Hereditary neoplastic syndrome; Tumor predisposition; Neoplastic Syndromes, Hereditary. Identifiers: Orphanet 140162, MedGen C0027672, MeSH D009386, MONDO:0015356.

Submission:

Ambry Genetics
Classification: Pathogenic for Hereditary cancer-predisposing syndrome. Last evaluated: 2018-03-20. Review status: criteria provided, single submitter. Criteria: Ambry Variant Classification Scheme 2023. Collection method: clinical testing. Allele origin: germline.
Comment: The c.2327_2336del10 variant, located in coding exon 4 of the MSH6 gene, results from a deletion of 10 nucleotides at nucleotide positions 2327 to 2336, causing a translational frameshift with a predicted alternate stop codon (p.Q776Lfs*14). This alteration is expected to result in loss of function by premature protein truncation or nonsense-mediated mRNA decay. As such, this alteration is interpreted as a disease-causing mutation.